The following is an entry in ClinVar:

NM_001080453.3(INTS1):c.1310A>G (p.Asn437Ser)

Gene: INTS1 (integrator complex subunit 1; minus strand). Cytogenetic location: 7p22.3.
Variant type: single nucleotide variant.
Coding change: c.1310A>G on transcript NM_001080453.3 (MANE Select); coding-DNA position 1310, A replaced by G.
Protein change: p.Asn437Ser; replaces asparagine 437 with serine.
Molecular consequence: missense variant.
Genome position (GRCh38, 1-based): chr7:1,498,527, T>C on the plus strand (A>G on the coding strand, the complement: INTS1 is on the minus strand). VCF-style: chr7-1498527-T-C. GRCh37 (hg19) VCF-style: chr7-1538163-T-C.
Other names: short protein forms N437S.
Identifiers: ClinVar variation 4879229 (VCV004879229.1).
Genomic context (GRCh38, chr7:1,498,527, plus strand): 5'-TTCGGGTTCCGGGCGCTGGAGAGCTCATTGAAGATCACCAACTTGATGGTGGTGCCCAGG[T>C]TGTCCTTGTGCGCGCTCAGCAGCTCCCTGGGTGAGGTGAGGGTACAGACCCTGTCCCCGC-3'
Protein context (NP_001073922.2, residues 427-447): IRELLSAHKD[Asn437Ser]LGTTIKLVIF

ClinVar aggregate classification (germline): Uncertain significance (1 of 4 stars; one submission).

Conditions:
Neurodevelopmental disorder with cataracts, poor growth, and dysmorphic facies. Identifiers: MedGen C5231414, MONDO:0032817, OMIM 618571.

gnomAD v4.1: 3 of 1,613,830 alleles (0.00019%); highest among the groups gnomAD compares: African/African-American, 0.0013%; no homozygotes.

Submission:

Clinical Genomics Laboratory, Washington University in St. Louis
Classification: Uncertain significance for Neurodevelopmental disorder with cataracts, poor growth, and dysmorphic facies. Last evaluated: 2026-02-13. Review status: criteria provided, single submitter. Criteria: ACMG Guidelines, 2015. Collection method: clinical testing. Allele origin: germline.
Comment: The INTS1 c.1310A>G (p.Asn437Ser) variant, to our knowledge, has not been reported in the medical literature. This variant is only observed in 1/248,566 alleles in the general population (gnomAD v2.1.1), indicating it is not a common variant. Computational predictors suggest that the variant does not impact INTS1 function. Due to limited information, and based on ACMG/AMP guidelines for variant interpretation (Richards S et al., PMID: 25741868), the clinical significance of this variant is uncertain at this time.